The following is an entry in ClinVar:

ClinVar aggregate classification (germline): Pathogenic. Review status: reviewed by expert panel (3 of 4 stars). 3 submissions from 3 submitters: Pathogenic (1). 2 of the submissions do not count toward it. Last evaluated 2024-04-22.

Conditions:
RPE65-related recessive retinopathy. Also called: Recessive RPE65 retinopathy. Identifiers: MedGen CN305526, MONDO:0100368.
Retinitis pigmentosa 20 (RP20). Identifiers: Orphanet 791, MedGen C3151086, MONDO:0013425, OMIM 613794.
Leber congenital amaurosis 2 (LCA2). Also called: Autosomal Recessive RPE65-Related Retinal Degeneration; AMAUROSIS CONGENITA OF LEBER II. Identifiers: Orphanet 65, MedGen C1859844, MONDO:0008765, OMIM 204100. Disease mechanism: loss of function.

Allele frequency attached by ClinVar (database versions not stated): gnomAD exomes below 0.00001.
gnomAD v4.1: 3 of 1,614,020 alleles (0.00019%); highest among the groups gnomAD compares: East Asian, 0.0022%; no homozygotes.

Submissions (3):

ClinGen Leber Congenital Amaurosis/early Onset Retinal Dystrophy Variant Curation Expert Panel, ClinGen
Classification: Pathogenic for RPE65-related recessive retinopathy. Last evaluated: 2024-04-22. Review status: reviewed by expert panel. Criteria: ClinGen LCAeoRD ACMG Specifications RPE65 V1.0.0. Collection method: curation. Allele origin: germline. Inheritance: Autosomal recessive inheritance.
Comment: The NM_000329.3(RPE65):c.545A>G (p.His182Arg) variant in RPE65 is a missense variant resulting in a substitution of histidine by arginine at codon 182 . This variant is absent from gnomAD v2.1.1 (PM2_Supporting). This variant has been reported in at least 2 probands with early-onset severe retinal dystrophy who were homozygous for the variant (1 point, PMIDs: 19117922, 27102010). This variant has also been reported in at least 1 proband with early-onset severe retinal dystrophy who was compound heterozygous with the NM_000329.3(RPE65):c.271C>T (p.Arg91Trp) variant confirmed in trans (1 point, PMID: 31273949), which was previously classified pathogenic by the ClinGen LCA / eoRD VCEP (2 total points, PM3_Strong). This variant is a missense substitution at p.His182, which is located within the active site, a well-characterized functional domain required for enzymatic activity (PM1, PMID: 34492281). The computational predictor REVEL gives a score of 0.900, which is above the ClinGen LCA / eoRD VCEP threshold of ≥ 0.773 and predicts a damaging effect on RPE65 function (PP3_Moderate). Another missense variant in the same codon (NM_000329.3(RPE65):c.544C>T (p.His182Tyr) has been classified as Pathogenic for RPE65-related recessive retinopathy by the ClinGen LCA / eoRD VCEP (PM5, ClinVar Variation ID: 98875). Splicing prediction using SpliceAI did not strongly predict an effect on splicing due to either of these variants. In summary, this variant meets the criteria to be classified as pathogenic for RPE65-related recessive retinopathy based on the ACMG/AMP criteria applied, as specified by the ClinGen LCA/eoRD VCEP: PM2_Supporting, PM3_Strong, PM1, PP3_Moderate, PM5. (VCEP specifications version 1.0.0; date of approval 09/21/2023).

Labcorp Genetics (formerly Invitae), Labcorp
Classification: Pathogenic for Leber congenital amaurosis 2; Retinitis pigmentosa 20. Last evaluated: 2025-04-16. Review status: criteria provided, single submitter. Criteria: Invitae Variant Classification Sherloc (09022015). Collection method: clinical testing. Allele origin: germline. Not counted in ClinVar's aggregate classification.
Comment: This sequence change replaces histidine, which is basic and polar, with arginine, which is basic and polar, at codon 182 of the RPE65 protein (p.His182Arg). This variant is present in population databases (no rsID available, gnomAD 0.006%). This missense change has been observed in individual(s) with retinitis pigementosa or Leber congenital amaurosis (PMID: 18722466, 20079931, 31273949). In at least one individual the data is consistent with being in trans (on the opposite chromosome) from a pathogenic variant. ClinVar contains an entry for this variant (Variation ID: 1074826). Invitae Evidence Modeling of protein sequence and biophysical properties (such as structural, functional, and spatial information, amino acid conservation, physicochemical variation, residue mobility, and thermodynamic stability) indicates that this missense variant is expected to disrupt RPE65 protein function with a positive predictive value of 80%. This variant disrupts the p.His182 amino acid residue in RPE65. Other variant(s) that disrupt this residue have been determined to be pathogenic (PMID: 9501220, 16150724, 27874104). This suggests that this residue is clinically significant, and that variants that disrupt this residue are likely to be disease-causing. For these reasons, this variant has been classified as Pathogenic.

Baylor Genetics
Classification: Pathogenic for Leber congenital amaurosis 2. Last evaluated: 2023-06-29. Review status: criteria provided, single submitter. Criteria: ACMG Guidelines, 2015. Collection method: clinical testing. Allele origin: unknown. Not counted in ClinVar's aggregate classification.

Literature cited by the submitters: PubMed 18722466 (cited by Labcorp Genetics (formerly Invitae), Labcorp); PubMed 20079931 (cited by Labcorp Genetics (formerly Invitae), Labcorp); PubMed 31273949 (cited by Labcorp Genetics (formerly Invitae), Labcorp); PubMed 9501220 (cited by Labcorp Genetics (formerly Invitae), Labcorp); PubMed 16150724 (cited by Labcorp Genetics (formerly Invitae), Labcorp); PubMed 27874104 (cited by Labcorp Genetics (formerly Invitae), Labcorp).

NM_000329.3(RPE65):c.545A>G (p.His182Arg)

Gene: RPE65 (retinoid isomerohydrolase RPE65; minus strand). Cytogenetic location: 1p31.3.
Variant type: single nucleotide variant.
Coding change: c.545A>G on transcript NM_000329.3 (MANE Select); coding-DNA position 545, A replaced by G.
Protein change: p.His182Arg; replaces histidine 182 with arginine.
Molecular consequence: missense variant.
Genome position (GRCh38, 1-based): chr1:68,440,951, T>C on the plus strand (A>G on the coding strand, the complement: RPE65 is on the minus strand). VCF-style: chr1-68440951-T-C. GRCh37 (hg19) VCF-style: chr1-68906634-T-C.
Other names: NM_000329.3(RPE65):c.545A>G; p.His182Arg; short protein forms H182R.
Identifiers: ClinVar variation 1074826 (VCV001074826.11), dbSNP rs1459110114, ClinGen allele CA340747132.